The following is an entry in ClinVar:

ClinVar aggregate classification (germline): Uncertain significance (1 of 4 stars; one submission).

Submission:

Labcorp Genetics (formerly Invitae), Labcorp
Classification: Uncertain significance. Last evaluated: 2021-11-19. Review status: criteria provided, single submitter. Criteria: Invitae Variant Classification Sherloc (09022015). Collection method: clinical testing. Allele origin: germline.
Comment: In summary, the available evidence is currently insufficient to determine the role of this variant in disease. Therefore, it has been classified as a Variant of Uncertain Significance. Variants that disrupt the consensus splice site are a relatively common cause of aberrant splicing (PMID: 17576681, 9536098). Algorithms developed to predict the effect of sequence changes on RNA splicing suggest that this variant is not likely to affect RNA splicing. This variant has not been reported in the literature in individuals affected with ABHD5-related conditions. This variant is not present in population databases (gnomAD no frequency). This sequence change falls in intron 2 of the ABHD5 gene. It does not directly change the encoded amino acid sequence of the ABHD5 protein. It affects a nucleotide within the consensus splice site.

Literature cited by the submitters: PubMed 17576681; PubMed 9536098.

NM_016006.6(ABHD5):c.133+6G>A

Gene: ABHD5 (abhydrolase domain containing 5, lysophosphatidic acid acyltransferase; plus strand). Cytogenetic location: 3p21.33.
Variant type: single nucleotide variant.
Coding change: c.133+6G>A on transcript NM_016006.6 (MANE Select); 6 bases into the intron after coding-DNA position 133, G replaced by A.
Molecular consequence: intron variant.
Genome position (GRCh38, 1-based): chr3:43,699,367, G>A. VCF-style: chr3-43699367-G-A. GRCh37 (hg19) VCF-style: chr3-43740859-G-A.
Other names: c.133+6G>A (NM_001365650.1, NM_001355186.2); c.10+6G>A (NM_001365649.1).
Identifiers: ClinVar variation 1394037 (VCV001394037.6), dbSNP rs764691568, ClinGen allele CA2573136975.